The following is an entry in ClinVar:

ClinVar aggregate classification (germline): Pathogenic. Review status: criteria provided, multiple submitters, no conflicts (2 of 4 stars). 3 submissions from 3 submitters: Pathogenic (2). 1 of the submissions does not count toward it. Last evaluated 2022-07-06.

Conditions:
Charcot-Marie-Tooth disease. Also called: Charcot-Marie-Tooth Hereditary Neuropathy; Charcot-Marie-Tooth Neuropathy. Identifiers: Orphanet 166, MedGen C0007959, MONDO:0015626.
Charcot-Marie-Tooth Neuropathy X. Identifiers: MedGen CN118851.

Submissions (3):

Labcorp Genetics (formerly Invitae), Labcorp
Classification: Pathogenic for Charcot-Marie-Tooth Neuropathy X. Last evaluated: 2022-07-06. Review status: criteria provided, single submitter. Criteria: Invitae Variant Classification Sherloc (09022015). Collection method: clinical testing. Allele origin: germline.
Comment: For these reasons, this variant has been classified as Pathogenic. This variant disrupts a region of the GJB1 protein in which other variant(s) (p.Ala271Trpfs*4 ) have been determined to be pathogenic (Invitae). This suggests that this is a clinically significant region of the protein, and that variants that disrupt it are likely to be disease-causing. ClinVar contains an entry for this variant (Variation ID: 637173). This premature translational stop signal has been observed in individual(s) with clinical features of Charcot-Marie-Tooth disease (PMID: 7580242). This variant is not present in population databases (gnomAD no frequency). This sequence change creates a premature translational stop signal (p.Glu186Glyfs*57) in the GJB1 gene. While this is not anticipated to result in nonsense mediated decay, it is expected to disrupt the last 98 amino acid(s) of the GJB1 protein.

CeGaT Center for Human Genetics Tuebingen
Classification: Pathogenic. Last evaluated: 2020-02-01. Review status: criteria provided, single submitter. Criteria: CeGaT Center For Human Genetics Tuebingen Variant Classification Criteria Version 2. Collection method: clinical testing. Allele origin: germline. Affected: yes. Observed: 1 variant allele.

Inherited Neuropathy Consortium
Classification: Uncertain significance for Charcot-Marie-Tooth disease. Review status: no assertion criteria provided. Collection method: literature only. Allele origin: germline. Affected: yes. Not counted in ClinVar's aggregate classification.

Literature cited by the submitters: PubMed 7580242 (cited by Labcorp Genetics (formerly Invitae), Labcorp and Inherited Neuropathy Consortium).

NM_000166.6(GJB1):c.556dup (p.Glu186fs)

Gene: GJB1 (gap junction protein beta 1; plus strand). Cytogenetic location: Xq13.1.
Variant type: Duplication.
Coding change: c.556dup on transcript NM_000166.6 (MANE Select); coding-DNA position 556, one base duplicated (G; older notation c.556dupG).
Protein change: p.Glu186fs; shifts the reading frame from glutamic acid 186.
Molecular consequence: frameshift variant.
Genome position (GRCh38, 1-based): chrX:71,224,263, G duplicated. VCF-style (leftmost placement, unchanged base first): chrX-71224262-C-CG. GRCh37 (hg19) VCF-style: chrX-70444112-C-CG.
Other names: c.556dup, p.Glu186fs (NM_001097642.3); short protein forms E186fs.
Identifiers: ClinVar variation 637173 (VCV000637173.46), dbSNP rs1602349655, ClinGen allele CA915951211.